The following is an entry in ClinVar:

ClinVar aggregate classification (germline): Uncertain significance. Review status: criteria provided, single submitter (1 of 4 stars). 2 submissions from 2 submitters: Uncertain significance (1). 1 of the submissions does not count toward it. Last evaluated 2025-09-07.

Conditions:
NTRK2-related disorder. Also called: NTRK2-related condition.

Allele frequency attached by ClinVar (database versions not stated): gnomAD 0.00001; TOPMed 0.00001; gnomAD exomes 0.00005.
gnomAD v4.1: 65 of 1,611,834 alleles (0.004%); highest among the groups gnomAD compares: Non-Finnish European, 0.0054%; no homozygotes.

Submissions (2):

Labcorp Genetics (formerly Invitae), Labcorp
Classification: Uncertain significance. Last evaluated: 2025-09-07. Review status: criteria provided, single submitter. Criteria: Invitae Variant Classification Sherloc (09022015). Collection method: clinical testing. Allele origin: germline.
Comment: This sequence change replaces isoleucine, which is neutral and non-polar, with valine, which is neutral and non-polar, at codon 52 of the NTRK2 protein (p.Ile52Val). This variant is present in population databases (rs200996010, gnomAD 0.002%). This variant has not been reported in the literature in individuals affected with NTRK2-related conditions. ClinVar contains an entry for this variant (Variation ID: 1939704). Invitae Evidence Modeling of protein sequence and biophysical properties (such as structural, functional, and spatial information, amino acid conservation, physicochemical variation, residue mobility, and thermodynamic stability) indicates that this missense variant is not expected to disrupt NTRK2 protein function with a negative predictive value of 80%. In summary, the available evidence is currently insufficient to determine the role of this variant in disease. Therefore, it has been classified as a Variant of Uncertain Significance.

PreventionGenetics, part of Exact Sciences
Classification: Uncertain significance for NTRK2-related condition. Last evaluated: 2024-05-07. Review status: no assertion criteria provided. Collection method: clinical testing. Allele origin: germline. Not counted in ClinVar's aggregate classification.
Comment: The NTRK2 c.154A>G variant is predicted to result in the amino acid substitution p.Ile52Val. To our knowledge, this variant has not been reported in the literature. This variant is reported in 0.0018% of alleles in individuals of European (non-Finnish) descent in gnomAD. At this time, the clinical significance of this variant is uncertain due to the absence of conclusive functional and genetic evidence.

NM_006180.6(NTRK2):c.154A>G (p.Ile52Val)

Gene: NTRK2 (neurotrophic receptor tyrosine kinase 2; plus strand). Cytogenetic location: 9q21.33.
Variant type: single nucleotide variant.
Coding change: c.154A>G on transcript NM_006180.6 (MANE Select); coding-DNA position 154, A replaced by G.
Protein change: p.Ile52Val; replaces isoleucine 52 with valine.
Molecular consequence: missense variant.
Genome position (GRCh38, 1-based): chr9:84,670,902, A>G. VCF-style: chr9-84670902-A-G. GRCh37 (hg19) VCF-style: chr9-87285817-A-G.
Other names: c.154A>G (NM_006180.4); c.154A>G, p.Ile52Val (NM_001007097.3, NM_001018064.3, NM_001018065.2 and 19 more transcripts); short protein forms I52V.
Identifiers: ClinVar variation 1939704 (VCV001939704.6), dbSNP rs200996010, ClinGen allele CA195738465.